The following is an entry in ClinVar:

ClinVar aggregate classification (germline): Uncertain significance. Review status: criteria provided, multiple submitters, no conflicts (2 of 4 stars). 2 submissions from 2 submitters: Uncertain significance (2). Last evaluated 2025-01-10.

Conditions:
Inborn genetic diseases. Identifiers: MedGen C0950123, MeSH D030342.
CHD8-related disorder. Also called: CHD8-related condition; CHD8-related disorders.

gnomAD v4.1: 2 of 1,613,978 alleles (0.00012%); highest among the groups gnomAD compares: South Asian, 0.0011%; no homozygotes.

Submissions (2):

Ambry Genetics
Classification: Uncertain significance for Inborn genetic diseases. Last evaluated: 2025-01-10. Review status: criteria provided, single submitter. Criteria: Ambry Variant Classification Scheme 2023. Collection method: clinical testing. Allele origin: germline.

PreventionGenetics, part of Exact Sciences
Classification: Uncertain significance for CHD8-related condition. Last evaluated: 2023-01-04. Review status: criteria provided, single submitter. Criteria: ACMG Guidelines, 2015. Collection method: clinical testing. Allele origin: germline.
Comment: The CHD8 c.5993C>G variant is predicted to result in the amino acid substitution p.Pro1998Arg. To our knowledge, this variant has not been reported in the literature or in a large population database, indicating this variant is rare. At this time, the clinical significance of this variant is uncertain due to the absence of conclusive functional and genetic evidence.

NM_001170629.2(CHD8):c.5993C>G (p.Pro1998Arg)

Gene: CHD8 (chromodomain helicase DNA binding protein 8; minus strand). Cytogenetic location: 14q11.2.
Variant type: single nucleotide variant.
Coding change: c.5993C>G on transcript NM_001170629.2 (MANE Select); coding-DNA position 5993, C replaced by G.
Protein change: p.Pro1998Arg; replaces proline 1998 with arginine.
Molecular consequence: missense variant.
Genome position (GRCh38, 1-based): chr14:21,393,802, G>C on the plus strand (C>G on the coding strand, the complement: CHD8 is on the minus strand). VCF-style: chr14-21393802-G-C. GRCh37 (hg19) VCF-style: chr14-21861961-G-C.
Other names: c.5156C>G, p.Pro1719Arg (NM_020920.4); short protein forms P1719R, P1998R.
Identifiers: ClinVar variation 2629154 (VCV002629154.2), dbSNP rs920675266, ClinGen allele CA388880630.